The following is an entry in ClinVar:

ClinVar aggregate classification (germline): Uncertain significance (1 of 4 stars; one submission).

Submission:

Labcorp Genetics (formerly Invitae), Labcorp
Classification: Uncertain significance. Last evaluated: 2019-10-30. Review status: criteria provided, single submitter. Criteria: Invitae Variant Classification Sherloc (09022015). Collection method: clinical testing. Allele origin: germline.
Comment: In summary, the available evidence is currently insufficient to determine the role of this variant in disease. Therefore, it has been classified as a Variant of Uncertain Significance. Algorithms developed to predict the effect of missense changes on protein structure and function are either unavailable or do not agree on the potential impact of this missense change (SIFT: "Deleterious"; PolyPhen-2: "Benign"; Align-GVGD: "Class C15"). This variant has not been reported in the literature in individuals with NEXMIF-related conditions. This variant is not present in population databases (ExAC no frequency). This sequence change replaces phenylalanine with leucine at codon 852 of the NEXMIF protein (p.Phe852Leu). The phenylalanine residue is highly conserved and there is a small physicochemical difference between phenylalanine and leucine.

NM_001008537.3(NEXMIF):c.2554T>C (p.Phe852Leu)

Gene: NEXMIF (neurite extension and migration factor; minus strand). Cytogenetic location: Xq13.3.
Variant type: single nucleotide variant.
Coding change: c.2554T>C on transcript NM_001008537.3 (MANE Select); coding-DNA position 2554, T replaced by C.
Protein change: p.Phe852Leu; replaces phenylalanine 852 with leucine.
Molecular consequence: missense variant.
Genome position (GRCh38, 1-based): chrX:74,742,003, A>G on the plus strand (T>C on the coding strand, the complement: NEXMIF is on the minus strand). VCF-style: chrX-74742003-A-G. GRCh37 (hg19) VCF-style: chrX-73961838-A-G.
Other names: short protein forms F852L.
Identifiers: ClinVar variation 955395 (VCV000955395.9), dbSNP rs2080106412, ClinGen allele CA413667962.